The following is an entry in ClinVar:

ClinVar aggregate classification (germline): Likely benign. Review status: criteria provided, multiple submitters, no conflicts (2 of 4 stars). 2 submissions from 2 submitters: Likely benign (2). Last evaluated 2024-10-03.

Allele frequency attached by ClinVar (database versions not stated): ExAC 0.00010; gnomAD 0.00275.

Submissions (2):

Blueprint Genetics
Classification: Likely benign. Last evaluated: 2024-10-03. Review status: criteria provided, single submitter. Criteria: ACMG Guidelines, 2015. Collection method: clinical testing. Allele origin: germline.

CeGaT Center for Human Genetics Tuebingen
Classification: Likely benign. Last evaluated: 2023-08-01. Review status: criteria provided, single submitter. Criteria: CeGaT Center For Human Genetics Tuebingen Variant Classification Criteria Version 2. Collection method: clinical testing. Allele origin: germline. Affected: yes. Observed: 1 variant allele.
Comment: MN1: BP4, BP7

NM_002430.3(MN1):c.1602G>A (p.Gln534=)

Gene: MN1 (MN1 proto-oncogene, transcriptional regulator; minus strand). Cytogenetic location: 22q12.1.
Variant type: single nucleotide variant.
Coding change: c.1602G>A on transcript NM_002430.3 (MANE Select); coding-DNA position 1602, G replaced by A.
Protein change: p.Gln534=; no amino-acid change (glutamine 534 retained).
Molecular consequence: synonymous variant.
Genome position (GRCh38, 1-based): chr22:27,798,942, C>T on the plus strand (G>A on the coding strand, the complement: MN1 is on the minus strand). VCF-style: chr22-27798942-C-T. GRCh37 (hg19) VCF-style: chr22-28194930-C-T.
Identifiers: ClinVar variation 2653026 (VCV002653026.25), dbSNP rs868200255, ClinGen allele CA10166381.